The following is an entry in ClinVar:

NM_013447.4(ADGRE2):c.1720C>T (p.Gln574Ter)

Gene: ADGRE2 (adhesion G protein-coupled receptor E2; minus strand). Cytogenetic location: 19p13.12.
Variant type: single nucleotide variant.
Coding change: c.1720C>T on transcript NM_013447.4 (MANE Select); coding-DNA position 1720, C replaced by T.
Protein change: p.Gln574Ter; replaces glutamine 574 with a stop codon.
Molecular consequence: nonsense.
Genome position (GRCh38, 1-based): chr19:14,752,397, G>A on the plus strand (C>T on the coding strand, the complement: ADGRE2 is on the minus strand). VCF-style: chr19-14752397-G-A. GRCh37 (hg19) VCF-style: chr19-14863209-G-A.
Other names: c.1546C>T, p.Gln516Ter (NM_001271052.1); c.1573C>T, p.Gln525Ter (NM_152916.2); c.1441C>T, p.Gln481Ter (NM_152917.2); short protein forms Q525*, Q574*, Q516*, Q481*.
Identifiers: ClinVar variation 3701797 (VCV003701797.2).

ClinVar aggregate classification (germline): Uncertain significance (1 of 4 stars; one submission).

gnomAD v4.1: 2 of 1,614,190 alleles (0.00012%); highest among the groups gnomAD compares: Admixed American, 0.0033%; no homozygotes.

Submission:

Labcorp Genetics (formerly Invitae), Labcorp
Classification: Uncertain significance. Last evaluated: 2025-02-13. Review status: criteria provided, single submitter. Criteria: Invitae Variant Classification Sherloc (09022015). Collection method: clinical testing. Allele origin: germline.
Comment: This sequence change creates a premature translational stop signal (p.Gln574*) in the ADGRE2 gene. It is expected to result in an absent or disrupted protein product. However, the current clinical and genetic evidence is not sufficient to establish whether loss-of-function variants in ADGRE2 cause disease. This variant is present in population databases (no rsID available, gnomAD 0.003%). This variant has not been reported in the literature in individuals affected with ADGRE2-related conditions. In summary, the available evidence is currently insufficient to determine the role of this variant in disease. Therefore, it has been classified as a Variant of Uncertain Significance.